The following is an entry in ClinVar:

ClinVar aggregate classification (germline): Uncertain significance (1 of 4 stars; one submission).

Conditions:
Usher syndrome type 1 (USH1). Also called: RETINITIS PIGMENTOSA AND CONGENITAL DEAFNESS. Identifiers: Orphanet 231169, Orphanet 886, MedGen C1568247, MONDO:0010168, OMIM 276900.

Submission:

Myriad Genetics, Inc.
Classification: Uncertain significance for Usher syndrome type 1. Last evaluated: 2026-05-05. Review status: criteria provided, single submitter. Criteria: Myriad Autosomal Dominant, Autosomal Recessive and X-Linked Classification Criteria (2023). Collection method: clinical testing. Allele origin: unknown.
Comment: NM_000260.3(MYO7A):c.1355T>C(L452P) is a missense variant classified as a variant of uncertain significance in the context of MYO7A-related disorders. L452P has been observed in a case with relevant disease (PMID: 23770805). Relevant functional assessments of this variant are not available in the literature. L452P has not been observed in referenced population frequency databases. In summary, there is insufficient evidence to classify NM_000260.3(MYO7A):c.1355T>C(L452P) as pathogenic or benign. Please note: this variant was assessed in the context of healthy population screening.

Literature cited by the submitters: PubMed 23770805.

NM_000260.4(MYO7A):c.1355T>C (p.Leu452Pro)

Gene: MYO7A (myosin VIIA; plus strand). Cytogenetic location: 11q13.5.
Variant type: single nucleotide variant.
Coding change: c.1355T>C on transcript NM_000260.4 (MANE Select); coding-DNA position 1355, T replaced by C.
Protein change: p.Leu452Pro; replaces leucine 452 with proline.
Molecular consequence: missense variant.
Genome position (GRCh38, 1-based): chr11:77,162,131, T>C. VCF-style: chr11-77162131-T-C. GRCh37 (hg19) VCF-style: chr11-76873177-T-C.
Other names: c.1355T>C, p.Leu452Pro (NM_001127180.2); c.1322T>C, p.Leu441Pro (NM_001369365.1); short protein forms L452P, L441P.
Identifiers: ClinVar variation 5003251 (VCV005003251.1).
Genomic context (GRCh38, chr11:77,162,131, plus strand): 5'-CATGGTGGGGCCTGAACAACACCCTTACCCCATCCCTGTGCCCCTGCAGCTTTGAGCAGC[T>C]CTGCATCAACTTCGCCAATGAGCACCTGCAGCAGTTCTTTGTGCGGCACGTGTTCAAGCT-3'
Protein context (NP_000251.3, residues 442-462): ENFAVNSFEQ[Leu452Pro]CINFANEHLQ